The following is an entry in ClinVar:

ClinVar aggregate classification (germline): Likely benign (1 of 4 stars; one submission).

Allele frequency attached by ClinVar (database versions not stated): ExAC 0.00002.
gnomAD v4.1: 2 of 1,210,528 alleles (0.00017%); highest among the groups gnomAD compares: Admixed American, 0.0022%; no homozygotes.

Submission:

CeGaT Center for Human Genetics Tuebingen
Classification: Likely benign. Last evaluated: 2022-08-01. Review status: criteria provided, single submitter. Criteria: CeGaT Center For Human Genetics Tuebingen Variant Classification Criteria Version 2. Collection method: clinical testing. Allele origin: germline. Affected: yes. Observed: 1 variant allele.
Comment: ATP1B4: BP4, BP7

NM_001142447.3(ATP1B4):c.609G>C (p.Pro203=)

Gene: ATP1B4 (ATPase Na+/K+ transporting family member beta 4; plus strand). Cytogenetic location: Xq24.
Variant type: single nucleotide variant.
Coding change: c.609G>C on transcript NM_001142447.3 (MANE Select); coding-DNA position 609, G replaced by C.
Protein change: p.Pro203=; no amino-acid change (proline 203 retained).
Molecular consequence: synonymous variant.
Genome position (GRCh38, 1-based): chrX:120,375,418, G>C. VCF-style: chrX-120375418-G-C. GRCh37 (hg19) VCF-style: chrX-119509273-G-C.
Other names: c.597G>C, p.Pro199= (NM_012069.5).
Identifiers: ClinVar variation 2661322 (VCV002661322.24), dbSNP rs749638694, ClinGen allele CA10505013.